The following is an entry in ClinVar:

NM_003073.5(SMARCB1):c.1119-12C>G

Gene: SMARCB1 (SWI/SNF related BAF chromatin remodeling complex subunit B1; plus strand). Cytogenetic location: 22q11.23.
Variant type: single nucleotide variant.
Coding change: c.1119-12C>G on transcript NM_003073.5 (MANE Select); 12 bases into the intron before coding-DNA position 1119, C replaced by G.
Molecular consequence: intron variant.
Genome position (GRCh38, 1-based): chr22:23,834,129, C>G. VCF-style: chr22-23834129-C-G. GRCh37 (hg19) VCF-style: chr22-24176316-C-G.
Other names: c.1119-12C>G (NM_003073.3); c.1173-12C>G (NM_001362877.2); c.1146-12C>G (NM_001317946.2); c.1092-12C>G (NM_001007468.3).
Identifiers: ClinVar variation 1517506 (VCV001517506.9), dbSNP rs1295969050, ClinGen allele CA2573157774.

ClinVar aggregate classification (germline): Conflicting classifications of pathogenicity. Review status: criteria provided, conflicting classifications (1 of 4 stars). 3 submissions from 3 submitters: Likely pathogenic (1); Uncertain significance (2). Last evaluated 2025-02-27.

Conditions:
Coffin-Siris syndrome. Identifiers: Orphanet 1465, MedGen C0265338, MONDO:0015452.
Hereditary cancer-predisposing syndrome. Also called: Tumor predisposition; Neoplastic Syndromes, Hereditary; Hereditary neoplastic syndrome; Hereditary Cancer Syndrome. Identifiers: Orphanet 140162, MedGen C0027672, MeSH D009386, MONDO:0015356.

Submissions (3):

Ambry Genetics
Classification: Uncertain significance for Hereditary cancer-predisposing syndrome. Last evaluated: 2025-02-27. Review status: criteria provided, single submitter. Criteria: Ambry Variant Classification Scheme 2023. Collection method: clinical testing. Allele origin: germline.
Comment: The c.1119-12C>G intronic variant results from a C to G substitution 12 nucleotides upstream from coding exon 9 in the SMARCB1 gene. This nucleotide position is highly conserved in available vertebrate species. In silico splice site analysis predicts that this alteration will result in the creation or strengthening of a novel splice acceptor site; however, direct evidence is insufficient at this time (Ambry internal data). This variant was reported in a family with schwannomatosis (Hadfield KD et al. J Med Genet 2008 Jun;45(6):332-9). Based on the available evidence, the clinical significance of this variant remains unclear.

Labcorp Genetics (formerly Invitae), Labcorp
Classification: Uncertain significance. Last evaluated: 2021-08-06. Review status: criteria provided, single submitter. Criteria: Invitae Variant Classification Sherloc (09022015). Collection method: clinical testing. Allele origin: germline.
Comment: In summary, the available evidence is currently insufficient to determine the role of this variant in disease. Therefore, it has been classified as a Variant of Uncertain Significance. Algorithms developed to predict the effect of sequence changes on RNA splicing suggest that this variant may create or strengthen a splice site, but this prediction has not been confirmed by published transcriptional studies. This variant has been observed in individual(s) with clinical features of SMARCB1-related schwannomatosis (PMID: 18285426). This variant is also known as c.1032-12C>G. This variant is not present in population databases (ExAC no frequency). This sequence change falls in intron 8 of the SMARCB1 gene. It does not directly change the encoded amino acid sequence of the SMARCB1 protein.

Department of Pathology and Laboratory Medicine, Sinai Health System
Classification: Likely pathogenic for Coffin-Siris syndrome. Review status: criteria provided, single submitter. Criteria: ACMG Guidelines, 2015. Collection method: clinical testing. Allele origin: germline.

Literature cited by the submitters: PubMed 18285426 (cited by Labcorp Genetics (formerly Invitae), Labcorp).